The following is an entry in ClinVar:

NM_001080467.3(MYO5B):c.1572G>T (p.Trp524Cys)

Gene: MYO5B (myosin VB; minus strand). Cytogenetic location: 18q21.1.
Variant type: single nucleotide variant.
Coding change: c.1572G>T on transcript NM_001080467.3 (MANE Select); coding-DNA position 1572, G replaced by T.
Protein change: p.Trp524Cys; replaces tryptophan 524 with cysteine.
Molecular consequence: missense variant.
Genome position (GRCh38, 1-based): chr18:49,954,409, C>A on the plus strand (G>T on the coding strand, the complement: MYO5B is on the minus strand). VCF-style: chr18-49954409-C-A. GRCh37 (hg19) VCF-style: chr18-47480779-C-A.
Other names: short protein forms W524C.
Identifiers: ClinVar variation 3377602 (VCV003377602.1).
Genomic context (GRCh38, chr18:49,954,409, plus strand): 5'-GGACATGCGGGGCTTCTGGAAGTGCTGGCTGCTGGAGTGCCGGTCATAGAGCTTCTGAGC[C>A]CAGTTCTGGTCAGTTCCTTTGGGGACCTGCAGAACCACAAGATAGGGCAGAGCGCTTTGT-3'
Protein context (NP_001073936.1, residues 514-534): CKVPKGTDQN[Trp524Cys]AQKLYDRHSS

ClinVar aggregate classification (germline): Uncertain significance (1 of 4 stars; one submission).

Conditions:
Cholestasis, progressive familial intrahepatic, 10 (PFIC10). Identifiers: MedGen C5676981, MONDO:0030810, OMIM 619868.

Submission:

Neuberg Centre For Genomic Medicine, NCGM
Classification: Uncertain significance for Cholestasis, progressive familial intrahepatic, 10. Last evaluated: 2023-06-22. Review status: criteria provided, single submitter. Criteria: ACMG Guidelines, 2015. Collection method: clinical testing. Allele origin: germline. Inheritance: Autosomal recessive inheritance. Affected: yes.
Comment: The missense variant c.1572G>T(p.Trp524Cys) in MYO5B gene has not been reported previously as a pathogenic variant nor as a benign variant, to our knowledge. The observed variant is absent in gnomAD exomes database. This variant has not been submitted to the ClinVar database. Multiple lines of computational evidence (Polyphen - probably damaging, SIFT - damaging and MutationTaster - disease causing) predict a damaging effect on protein structure and function for this variant. The reference amino acid change p.Trp524Cys in MYO5B is predicted as conserved by GERP++ and PhyloP across 100 vertebrates. The amino acid Trp at position 524 is changed to a Cys changing protein sequence and it might alter its composition and physico-chemical properties. For these reasons, this variant has been classified as Uncertain Significance (VUS).